The following is an entry in ClinVar:

NM_198239.2(CCN6):c.892A>C (p.Ile298Leu)

Gene: CCN6 (cellular communication network factor 6; plus strand). Cytogenetic location: 6q21.
Variant type: single nucleotide variant.
Coding change: c.892A>C on transcript NM_198239.2 (MANE Select); coding-DNA position 892, A replaced by C.
Protein change: p.Ile298Leu; replaces isoleucine 298 with leucine.
Molecular consequence: missense variant. On other transcripts: non-coding transcript variant (2).
Genome position (GRCh38, 1-based): chr6:112,069,447, A>C. VCF-style: chr6-112069447-A-C. GRCh37 (hg19) VCF-style: chr6-112390650-A-C.
Other names: c.892A>C, p.Ile298Leu (NM_003880.4); short protein forms I298L.
Identifiers: ClinVar variation 355066 (VCV000355066.17), dbSNP rs34686812, ClinGen allele CA3964123.
Genomic context (GRCh38, chr6:112,069,447, plus strand): 5'-GAAAAATTTGTCTTTTCTGGATGCTCAAGTACTCAGAGTTACAAACCCACTTTTTGTGGA[A>C]TATGCTTGGATAAGAGATGCTGTATCCCTAATAAGTCTAAAATGATTACTATTCAATTTG-3'
Protein context (NP_937882.2, residues 288-308): TQSYKPTFCG[Ile298Leu]CLDKRCCIPN

ClinVar aggregate classification (germline): Benign/Likely benign. Review status: criteria provided, multiple submitters, no conflicts (2 of 4 stars). 4 submissions from 4 submitters: Benign (2); Likely benign (1). 1 of the submissions does not count toward it. Last evaluated 2026-01-28.

Conditions:
CCN6-related disorder. Also called: CCN6-related condition.
Progressive pseudorheumatoid dysplasia (PPRD). Also called: SPONDYLOEPIPHYSEAL DYSPLASIA TARDA WITH PROGRESSIVE ARTHROPATHY; Progressive Pseudorheumatoid Arthropathy of Childhood. Identifiers: Orphanet 1159, MedGen C0432215, MONDO:0008827, OMIM 208230. Disease mechanism: loss of function.

Allele frequency attached by ClinVar (database versions not stated): gnomAD exomes 0.00043 and 0.00113; ExAC 0.00146; gnomAD 0.00389 and 0.00417; TOPMed 0.00420; ESP Exome Variant Server 0.00500; 1000 Genomes Project 0.00579; 1000 Genomes Project 30x 0.00609.
gnomAD v4.1: 1,263 of 1,613,776 alleles (0.078%); highest among the groups gnomAD compares: African/African-American, 1.4%; 9 homozygotes.

Submissions (4):

Labcorp Genetics (formerly Invitae), Labcorp
Classification: Benign. Last evaluated: 2026-01-28. Review status: criteria provided, single submitter. Criteria: Invitae Variant Classification Sherloc (09022015). Collection method: clinical testing. Allele origin: germline.

Blueprint Genetics
Classification: Likely benign. Last evaluated: 2024-10-22. Review status: criteria provided, single submitter. Criteria: ACMG Guidelines, 2015. Collection method: clinical testing. Allele origin: germline.

Illumina Laboratory Services, Illumina
Classification: Benign for Progressive pseudorheumatoid dysplasia. Last evaluated: 2018-01-13. Review status: criteria provided, single submitter. Criteria: ICSL Variant Classification Criteria 13 December 2019. Collection method: clinical testing. Allele origin: germline.
Comment: This variant was observed in the ICSL laboratory as part of a predisposition screen in an ostensibly healthy population. It had not been previously curated by ICSL or reported in the Human Gene Mutation Database (HGMD: prior to June 1st, 2018), and was therefore a candidate for classification through an automated scoring system. Utilizing variant allele frequency, disease prevalence and penetrance estimates, and inheritance mode, an automated score was calculated to assess if this variant is too frequent to cause the disease. Based on the score and internal cut-off values, a variant classified as benign is not then subjected to further curation. The score for this variant resulted in a classification of benign for this disease.

PreventionGenetics, part of Exact Sciences
Classification: Benign for CCN6-related condition. Last evaluated: 2019-05-01. Review status: no assertion criteria provided. Collection method: clinical testing. Allele origin: germline. Not counted in ClinVar's aggregate classification.
Comment: This variant is classified as benign based on ACMG/AMP sequence variant interpretation guidelines (Richards et al. 2015 PMID: 25741868, with internal and published modifications).